The following is an entry in ClinVar:

ClinVar aggregate classification (germline): Likely pathogenic. Review status: criteria provided, multiple submitters, no conflicts (2 of 4 stars). 2 submissions from 2 submitters: Likely pathogenic (2). Last evaluated 2022-01-13.

Conditions:
Hereditary acrodermatitis enteropathica (AEZ). Also called: Acrodermatitis enteropathica. Identifiers: Orphanet 37, MedGen C0221036, MONDO:0008713, OMIM 201100.

Allele frequency attached by ClinVar (database versions not stated): gnomAD exomes below 0.00001.
gnomAD v4.1: 2 of 1,554,552 alleles (0.00013%); highest among the groups gnomAD compares: Non-Finnish European, 0.00017%; no homozygotes.

Submissions (2):

Fulgent Genetics
Classification: Likely pathogenic for Hereditary acrodermatitis enteropathica. Last evaluated: 2022-01-13. Review status: criteria provided, single submitter. Criteria: ACMG Guidelines, 2015. Collection method: clinical testing. Allele origin: unknown.

Labcorp Genetics (formerly Invitae), Labcorp
Classification: Likely pathogenic. Last evaluated: 2021-01-15. Review status: criteria provided, single submitter. Criteria: Invitae Variant Classification Sherloc (09022015). Collection method: clinical testing. Allele origin: germline.
Comment: In summary, the currently available evidence indicates that the variant is pathogenic, but additional data are needed to prove that conclusively. Therefore, this variant has been classified as Likely Pathogenic. Algorithms developed to predict the effect of sequence changes on RNA splicing suggest that this variant may disrupt the consensus splice site, but this prediction has not been confirmed by published transcriptional studies. This variant has not been reported in the literature in individuals with SLC39A4-related conditions. This variant is not present in population databases (ExAC no frequency). This sequence change affects an acceptor splice site in intron 5 of the SLC39A4 gene. It is expected to disrupt RNA splicing. Variants that disrupt the donor or acceptor splice site typically lead to a loss of protein function (PMID: 16199547), and loss-of-function variants in SLC39A4 are known to be pathogenic (PMID: 12955721).

Literature cited by the submitters: PubMed 16199547 (cited by Labcorp Genetics (formerly Invitae), Labcorp); PubMed 12955721 (cited by Labcorp Genetics (formerly Invitae), Labcorp).

NM_130849.4(SLC39A4):c.977-1G>A

Gene: SLC39A4 (solute carrier family 39 member 4; minus strand). Cytogenetic location: 8q24.3.
Variant type: single nucleotide variant.
Coding change: c.977-1G>A on transcript NM_130849.4 (MANE Select); the canonical splice acceptor site of the intron before coding-DNA position 977, G replaced by A.
Molecular consequence: splice acceptor variant.
Genome position (GRCh38, 1-based): chr8:144,414,435, C>T on the plus strand (G>A on the coding strand, the complement: SLC39A4 is on the minus strand). VCF-style: chr8-144414435-C-T. GRCh37 (hg19) VCF-style: chr8-145639819-C-T.
Other names: c.695-1G>A (NM_001374839.1); c.902-1G>A (NM_017767.3).
Identifiers: ClinVar variation 1484281 (VCV001484281.9), dbSNP rs2130798128, ClinGen allele CA372621418.
Genomic context (GRCh38, chr8:144,414,435, plus strand): 5'-GGAGGCCAAAGACCGCGCAGAGGCAGATGAGCAGCGTGGCCAGGGAGCCGTACAGATACC[C>T]TGGGGGCGGGTGAGGCGGCTGTGAGAGCTTTTCTTCCAGACTCAGCCCCTGCTTCCCGGG-3'